The following is an entry in ClinVar:

NM_016239.4(MYO15A):c.4108C>T (p.Arg1370Cys)

Gene: MYO15A (myosin XVA; plus strand). Cytogenetic location: 17p11.2.
Variant type: single nucleotide variant.
Coding change: c.4108C>T on transcript NM_016239.4 (MANE Select); coding-DNA position 4108, C replaced by T.
Protein change: p.Arg1370Cys; replaces arginine 1370 with cysteine.
Molecular consequence: missense variant.
Genome position (GRCh38, 1-based): chr17:18,131,308, C>T. VCF-style: chr17-18131308-C-T. GRCh37 (hg19) VCF-style: chr17-18034622-C-T.
Other names: short protein forms R1370C.
Identifiers: ClinVar variation 242330 (VCV000242330.10), dbSNP rs878854411, ClinGen allele CA10583981.

ClinVar aggregate classification (germline): Conflicting classifications of pathogenicity. Review status: criteria provided, conflicting classifications (1 of 4 stars). 4 submissions from 4 submitters: Likely pathogenic (1); Uncertain significance (2). 1 of the submissions does not count toward it. Last evaluated 2023-11-06.

Conditions:
Autosomal recessive nonsyndromic hearing loss 3. Also called: NEUROSENSORY NONSYNDROMIC RECESSIVE DEAFNESS 3. Identifiers: Orphanet 90636, MedGen C1838263, MONDO:0010860, OMIM 600316.

Allele frequency attached by ClinVar (database versions not stated): gnomAD exomes below 0.00001 and 0.00001; gnomAD 0.00002; TOPMed 0.00002.
gnomAD v4.1: 16 of 1,614,030 alleles (0.00099%); highest among the groups gnomAD compares: Admixed American, 0.0017%; no homozygotes.

Submissions (4):

Labcorp Genetics (formerly Invitae), Labcorp
Classification: Likely pathogenic. Last evaluated: 2023-11-06. Review status: criteria provided, single submitter. Criteria: Invitae Variant Classification Sherloc (09022015). Collection method: clinical testing. Allele origin: germline.
Comment: This sequence change replaces arginine, which is basic and polar, with cysteine, which is neutral and slightly polar, at codon 1370 of the MYO15A protein (p.Arg1370Cys). This variant is present in population databases (no rsID available, gnomAD 0.004%). This missense change has been observed in individual(s) with MYO15A-related conditions (PMID: 27375115). ClinVar contains an entry for this variant (Variation ID: 242330). Advanced modeling of protein sequence and biophysical properties (such as structural, functional, and spatial information, amino acid conservation, physicochemical variation, residue mobility, and thermodynamic stability) performed at Invitae indicates that this missense variant is expected to disrupt MYO15A protein function with a positive predictive value of 95%. This variant disrupts the p.Arg1370 amino acid residue in MYO15A. Other variant(s) that disrupt this residue have been determined to be pathogenic (PMID: 35580552). This suggests that this residue is clinically significant, and that variants that disrupt this residue are likely to be disease-causing. In summary, the currently available evidence indicates that the variant is pathogenic, but additional data are needed to prove that conclusively. Therefore, this variant has been classified as Likely Pathogenic.

GeneDx
Classification: Uncertain significance. Last evaluated: 2020-11-05. Review status: criteria provided, single submitter. Criteria: GeneDx Variant Classification Process June 2021. Collection method: clinical testing. Allele origin: germline. Affected: yes.
Comment: Observed with a second variant (phase unknown) in two siblings with hearing loss in published literature (Rehman et al., 2016); Not observed at a significant frequency in large population cohorts (Lek et al., 2016); In silico analysis supports that this missense variant has a deleterious effect on protein structure/function; This variant is associated with the following publications: (PMID: 27375115, 31589614)

Laboratory for Molecular Medicine, Mass General Brigham Personalized Medicine
Classification: Uncertain significance. Last evaluated: 2018-03-05. Review status: criteria provided, single submitter. Criteria: LMM Criteria. Collection method: clinical testing. Allele origin: germline. Observed: 1 variant allele.
Comment: The p.Arg1370Cys variant in MYO15A has been reported in the compound heterozygou s state in 2 siblings with hearing loss and a second variant of uncertain signif icance in MYO15A from a consanguineous Pakistani family (Rehman 2016). This vari ant has been identified in 1/24000 African chromosomes by the Genome Aggregation Database (gnomAD; dbSNP rs878854411), which i s low enough to be consistent with a recessive carrier frequency. Computational prediction tools and conservation analysis suggest that the p.Arg1370Cys variant may impact the protein, though this information is not predictive enough to det ermine pathogenicity. In summary, the clinical significance of the p.Arg1370Cys variant is uncertain. ACMG/AMP Criteria applied: PM2, PM3_Supporting, PP3.

Center for Statistical Genetics, Columbia University
Classification: Pathogenic for Autosomal recessive nonsyndromic hearing loss 3. Last evaluated: 2016-06-06. Review status: no assertion criteria provided. Collection method: research. Allele origin: germline. Affected: yes. Not counted in ClinVar's aggregate classification.

Literature cited by the submitters: PubMed 27375115 (cited by Labcorp Genetics (formerly Invitae), Labcorp and Laboratory for Molecular Medicine, Mass General Brigham Personalized Medicine); PubMed 35580552 (cited by Labcorp Genetics (formerly Invitae), Labcorp).